The following is an entry in ClinVar:

ClinVar aggregate classification (germline): Uncertain significance (1 of 4 stars; one submission).

Conditions:
Cardiovascular phenotype. Identifiers: MedGen CN230736.
Hereditary cancer-predisposing syndrome. Also called: Neoplastic Syndromes, Hereditary; Tumor predisposition; Hereditary neoplastic syndrome; Hereditary Cancer Syndrome. Identifiers: Orphanet 140162, MedGen C0027672, MeSH D009386, MONDO:0015356.

gnomAD v4.1: 1 of 1,614,110 alleles (0.000062%); no homozygotes.

Submission:

Ambry Genetics
Classification: Uncertain significance for Cardiovascular phenotype; Hereditary cancer-predisposing syndrome. Last evaluated: 2026-09-13. Review status: criteria provided, single submitter. Criteria: Ambry Variant Classification Scheme 2023. Collection method: clinical testing. Allele origin: germline.
Comment: The p.P1819L variant (also known as c.5456C>T), located in coding exon 37 of the NF1 gene, results from a C to T substitution at nucleotide position 5456. The proline at codon 1819 is replaced by leucine, an amino acid with similar properties. This amino acid position is conserved. In addition, this alteration is predicted to be deleterious by in silico analysis. Based on the available evidence, the clinical significance of this variant remains unclear.

NM_001042492.3(NF1):c.5519C>T (p.Pro1840Leu)

Gene: NF1 (neurofibromin 1; plus strand). Cytogenetic location: 17q11.2.
Variant type: single nucleotide variant.
Coding change: c.5519C>T on transcript NM_001042492.3 (MANE Select); coding-DNA position 5519, C replaced by T.
Protein change: p.Pro1840Leu; replaces proline 1840 with leucine.
Molecular consequence: missense variant.
Genome position (GRCh38, 1-based): chr17:31,327,749, C>T. VCF-style: chr17-31327749-C-T. GRCh37 (hg19) VCF-style: chr17-29654767-C-T.
Other names: c.5456C>T, p.Pro1819Leu (NM_000267.4); short protein forms P1819L, P1840L.
Identifiers: ClinVar variation 5025668 (VCV005025668.1).